The following is an entry in ClinVar:

NM_001035.3(RYR2):c.3270C>G (p.Ala1090=)

Gene: RYR2 (ryanodine receptor 2; plus strand). Cytogenetic location: 1q43.
Variant type: single nucleotide variant.
Coding change: c.3270C>G on transcript NM_001035.3 (MANE Select); coding-DNA position 3270, C replaced by G.
Protein change: p.Ala1090=; no amino-acid change (alanine 1090 retained).
Molecular consequence: synonymous variant.
Genome position (GRCh38, 1-based): chr1:237,566,622, C>G. VCF-style: chr1-237566622-C-G. GRCh37 (hg19) VCF-style: chr1-237729922-C-G.
Identifiers: ClinVar variation 698905 (VCV000698905.16), dbSNP rs1344074824, ClinGen allele CA423819140.
Genomic context (GRCh38, chr1:237,566,622, plus strand): 5'-CCCAGCAGCCAGAGCCGAAGTGTGCAGCGGCACCGGGGAAAGGTTCCGAATCTTCCGTGC[C>G]GAGAAGACCTATGCAGTGAAGGCCGGACGGTGGTATTTTGAATTTGAGACGGTCACTGCT-3'
Protein context (NP_001026.2, residues 1080-1100): GTGERFRIFR[Ala1090=]EKTYAVKAGR

ClinVar aggregate classification (germline): Likely benign. Review status: criteria provided, multiple submitters, no conflicts (2 of 4 stars). 5 submissions from 5 submitters: Likely benign (5). Last evaluated 2025-11-17.

Conditions:
Cardiomyopathy (CMYO). Also called: Cardiomyopathies. Identifiers: Orphanet 167848, MedGen C0878544, MONDO:0004994, HP:0001638. Inheritance: Various modes of inheritance.
Catecholaminergic polymorphic ventricular tachycardia 1. Also called: VENTRICULAR TACHYCARDIA, CATECHOLAMINERGIC POLYMORPHIC, 1, WITH OR WITHOUT ATRIAL DYSFUNCTION AND/OR DILATED CARDIOMYOPATHY; RYR2-Related Catecholaminergic Polymorphic Ventricular Tachycardia; VENTRICULAR TACHYCARDIA, STRESS-INDUCED POLYMORPHIC 1. Identifiers: Orphanet 3286, MedGen C1631597, MONDO:0011484, OMIM 604772.
Cardiovascular phenotype. Identifiers: MedGen CN230736.
Catecholaminergic polymorphic ventricular tachycardia (CVPT). Also called: Catecholamine-induced polymorphic ventricular tachycardia. Identifiers: Orphanet 3286, MedGen C5574922, MONDO:0017990.

Allele frequency attached by ClinVar (database versions not stated): TOPMed 0.00002; gnomAD 0.00003.
gnomAD v4.1: 43 of 1,613,784 alleles (0.0027%); highest among the groups gnomAD compares: Non-Finnish European, 0.0034%; no homozygotes.

Submissions (5):

Labcorp Genetics (formerly Invitae), Labcorp
Classification: Likely benign for Catecholaminergic polymorphic ventricular tachycardia 1. Last evaluated: 2025-11-17. Review status: criteria provided, single submitter. Criteria: Invitae Variant Classification Sherloc (09022015). Collection method: clinical testing. Allele origin: germline.

Blueprint Genetics
Classification: Likely benign. Last evaluated: 2024-08-26. Review status: criteria provided, single submitter. Criteria: ACMG Guidelines, 2015. Collection method: clinical testing. Allele origin: germline.

All of Us Research Program, National Institutes of Health
Classification: Likely benign for Catecholaminergic polymorphic ventricular tachycardia. Last evaluated: 2023-12-13. Review status: criteria provided, single submitter. Criteria: ACMG Guidelines, 2015. Collection method: clinical testing. Allele origin: germline. Inheritance: Autosomal dominant inheritance. Observed: 8 variant alleles, 8 heterozygotes.
Comment: This study involves interpretation of variants in research participants for the purpose of population health screening. Participant phenotype was not available at the time of variant classification. Additional details can be found in publication PMID: 35346344, PMCID: PMC8962531

Ambry Genetics
Classification: Likely benign for Cardiovascular phenotype. Last evaluated: 2023-07-21. Review status: criteria provided, single submitter. Criteria: Ambry Variant Classification Scheme 2023. Collection method: clinical testing. Allele origin: germline.

Color Diagnostics, LLC DBA Color Health
Classification: Likely benign for Cardiomyopathy. Last evaluated: 2022-03-09. Review status: criteria provided, single submitter. Criteria: ACMG Guidelines, 2015. Collection method: clinical testing. Allele origin: germline.